The following is an entry in ClinVar:

NM_000548.5(TSC2):c.4936G>T (p.Val1646Leu)

Gene: TSC2 (TSC complex subunit 2; plus strand). Cytogenetic location: 16p13.3.
Variant type: single nucleotide variant.
Coding change: c.4936G>T on transcript NM_000548.5 (MANE Select); coding-DNA position 4936, G replaced by T.
Protein change: p.Val1646Leu; replaces valine 1646 with leucine.
Molecular consequence: missense variant.
Genome position (GRCh38, 1-based): chr16:2,086,818, G>T. VCF-style: chr16-2086818-G-T. GRCh37 (hg19) VCF-style: chr16-2136819-G-T.
Other names: c.4735G>T, p.Val1579Leu (NM_001077183.3); c.4867G>T, p.Val1623Leu (NM_001114382.3); c.4627G>T, p.Val1543Leu (NM_001318827.2); c.4591G>T, p.Val1531Leu (NM_001318829.2); c.4204G>T, p.Val1402Leu (NM_001318831.2); c.4768G>T, p.Val1590Leu (NM_001318832.2); c.4738G>T, p.Val1580Leu (NM_001363528.2); c.4804G>T, p.Val1602Leu (NM_001370404.1); and 1 more; short protein forms V1543L, V1623L, V1646L, V1579L, V1580L, V1590L, V1602L, V1402L.
Identifiers: ClinVar variation 1490108 (VCV001490108.6), dbSNP rs1064796970, ClinGen allele CA394308723.
Genomic context (GRCh38, chr16:2,086,818, plus strand): 5'-CCCACCAAGGACGTGGACAAGCACCGCTGCGACAAGAAGCGCCACCTGGGCAACGACTTT[G>T]TGTCCATTGTCTACAATGACTCCGGTGAGGACTTCAAGCTTGGCACCATCAAGGTGAGTG-3'
Protein context (NP_000539.2, residues 1636-1656): DKKRHLGNDF[Val1646Leu]SIVYNDSGED

ClinVar aggregate classification (germline): Likely pathogenic (1 of 4 stars; one submission).

Conditions:
Tuberous sclerosis 2 (TSC2). Identifiers: Orphanet 805, MedGen C1860707, MONDO:0013199, OMIM 613254.

Submission:

Labcorp Genetics (formerly Invitae), Labcorp
Classification: Likely pathogenic for Tuberous sclerosis 2. Last evaluated: 2022-03-18. Review status: criteria provided, single submitter. Criteria: Invitae Variant Classification Sherloc (09022015). Collection method: clinical testing. Allele origin: germline.
Comment: In summary, the currently available evidence indicates that the variant is pathogenic, but additional data are needed to prove that conclusively. Therefore, this variant has been classified as Likely Pathogenic. This sequence change replaces valine, which is neutral and non-polar, with leucine, which is neutral and non-polar, at codon 1646 of the TSC2 protein (p.Val1646Leu). This variant is not present in population databases (gnomAD no frequency). This variant has not been reported in the literature in individuals affected with TSC2-related conditions. Advanced modeling of protein sequence and biophysical properties (such as structural, functional, and spatial information, amino acid conservation, physicochemical variation, residue mobility, and thermodynamic stability) performed at Invitae indicates that this missense variant is expected to disrupt TSC2 protein function. This variant disrupts the p.Val1646 amino acid residue in TSC2. Other variant(s) that disrupt this residue have been determined to be pathogenic (PMID: 21520333; Invitae). This suggests that this residue is clinically significant, and that variants that disrupt this residue are likely to be disease-causing.

Literature cited by the submitters: PubMed 21520333.